The following is an entry in ClinVar:

NM_023110.3(FGFR1):c.*1077C>G

Genes: FGFR1 (fibroblast growth factor receptor 1; minus strand), LOC102723716 (uncharacterized LOC102723716; minus strand). Cytogenetic location: 8p11.23.
Variant type: single nucleotide variant.
Coding change: c.*1077C>G on transcript NM_023110.3 (MANE Select); 1077 bases downstream of the stop codon, C replaced by G.
Molecular consequence: 3 prime UTR variant. On other transcripts: non-coding transcript variant (1), missense variant (3).
Genome position (GRCh38, 1-based): chr8:38,412,551, G>C on the plus strand (C>G on the coding strand, the complement: FGFR1 is on the minus strand). VCF-style: chr8-38412551-G-C. GRCh37 (hg19) VCF-style: chr8-38270069-G-C.
Other names: c.*1077C>G (NM_001174063.2, NM_001174064.2, NM_001174065.2 and 7 more transcripts); c.2331C>G, p.Cys777Trp (NM_001354367.2); c.2325C>G, p.Cys775Trp (NM_001354369.2); c.2064C>G, p.Cys688Trp (NM_001354370.2); short protein forms C688W, C775W, C777W.
Identifiers: ClinVar variation 4984373 (VCV004984373.1).

ClinVar aggregate classification (germline): Uncertain significance (1 of 4 stars; one submission).

Conditions:
FGFR1-related disorder. Also called: FGFR1-related disorders; FGFR1-related condition. Identifiers: MedGen CN380097.

Submission:

PreventionGenetics, part of Exact Sciences
Classification: Uncertain significance for FGFR1-related condition. Last evaluated: 2026-05-19. Review status: criteria provided, single submitter. Criteria: ACMG Guidelines, 2015. Collection method: clinical testing. Allele origin: germline.
Comment: The FGFR1 c.2064C>G variant is predicted to result in the amino acid substitution p.Cys688Trp. To our knowledge, this variant has not been reported in the literature or in a large population database (gnomAD), indicating this variant is rare. At this time, the clinical significance of this variant is uncertain due to the absence of conclusive functional and genetic evidence.